The following is an entry in ClinVar:

NM_001083116.3(PRF1):c.539+5G>A

Gene: PRF1 (perforin 1; minus strand). Cytogenetic location: 10q22.1.
Variant type: single nucleotide variant.
Coding change: c.539+5G>A on transcript NM_001083116.3 (MANE Select); 5 bases into the intron after coding-DNA position 539, G replaced by A.
Molecular consequence: intron variant.
Genome position (GRCh38, 1-based): chr10:70,600,359, C>T on the plus strand (G>A on the coding strand, the complement: PRF1 is on the minus strand). VCF-style: chr10-70600359-C-T. GRCh37 (hg19) VCF-style: chr10-72360115-C-T.
Other names: c.539+5G>A (NM_005041.6).
Identifiers: ClinVar variation 1520178 (VCV001520178.3), dbSNP rs375408308, ClinGen allele CA209369421.
Genomic context (GRCh38, chr10:70,600,359, plus strand): 5'-GCTCCTAGACCACCCAGAGTTTCCCGCGCCTTTTCCAGCCCCCCACCCCTAGCCCCAGCT[C>T]TCACCTGTAGAAGCGGCACTCCACCGTGTCAGTGCTGAAGCTGTACTGGTCCTGGTGGGT-3'

ClinVar aggregate classification (germline): Uncertain significance (1 of 4 stars; one submission).

Conditions:
Familial hemophagocytic lymphohistiocytosis 2 (FHL2). Also called: PRF1-Related Familial Hemophagocytic Lymphohistiocytosis (PRF1-fHLH). Identifiers: Orphanet 540, MedGen C1863727, MONDO:0011337, OMIM 603553.

Allele frequency attached by ClinVar (database versions not stated): gnomAD exomes 0.00001; ESP Exome Variant Server 0.00008.
gnomAD v4.1: 3 of 1,614,114 alleles (0.00019%); highest among the groups gnomAD compares: Middle Eastern, 0.016%; no homozygotes.

Submission:

Labcorp Genetics (formerly Invitae), Labcorp
Classification: Uncertain significance for Familial hemophagocytic lymphohistiocytosis 2. Last evaluated: 2021-08-31. Review status: criteria provided, single submitter. Criteria: Invitae Variant Classification Sherloc (09022015). Collection method: clinical testing. Allele origin: germline.
Comment: This sequence change falls in intron 2 of the PRF1 gene. It does not directly change the encoded amino acid sequence of the PRF1 protein. It affects a nucleotide within the consensus splice site of the intron. This variant is not present in population databases (ExAC no frequency). This variant has not been reported in the literature in individuals affected with PRF1-related conditions. Variants that disrupt the consensus splice site are a relatively common cause of aberrant splicing (PMID: 17576681, 9536098). Algorithms developed to predict the effect of sequence changes on RNA splicing suggest that this variant may disrupt the consensus splice site. In summary, the available evidence is currently insufficient to determine the role of this variant in disease. Therefore, it has been classified as a Variant of Uncertain Significance.

Literature cited by the submitters: PubMed 17576681; PubMed 9536098.